The following is an entry in ClinVar:

ClinVar aggregate classification (germline): Benign. Review status: criteria provided, multiple submitters, no conflicts (2 of 4 stars). 2 submissions from 2 submitters: Benign (2). Last evaluated 2020-02-18.

Allele frequency attached by ClinVar (database versions not stated): gnomAD exomes 0.49999 and 0.50697; ExAC 0.51216; gnomAD 0.54870 and 0.55276; 1000 Genomes Project 0.55052; 1000 Genomes Project 30x 0.55684; TOPMed 0.56057; ESP Exome Variant Server 0.56658.
gnomAD v4.1: 814,581 of 1,613,568 alleles (50%); highest among the groups gnomAD compares: African/African-American, 71%; 208,485 homozygotes.

Submissions (2):

GeneDx
Classification: Benign. Last evaluated: 2020-02-18. Review status: criteria provided, single submitter. Criteria: GeneDx Variant Classification Process June 2021. Collection method: clinical testing. Allele origin: germline. Affected: yes.
Comment: This variant is associated with the following publications: (PMID: 21085059)

Breakthrough Genomics
Classification: Benign. Review status: criteria provided, single submitter. Criteria: ACMG Guidelines, 2015. Collection method: not provided. Allele origin: germline. Inheritance: Unknown mechanism. Affected: yes.

NM_002189.4(IL15RA):c.545A>C (p.Asn182Thr)

Gene: IL15RA (interleukin 15 receptor subunit alpha; minus strand). Cytogenetic location: 10p15.1.
Variant type: single nucleotide variant.
Coding change: c.545A>C on transcript NM_002189.4 (MANE Select); coding-DNA position 545, A replaced by C.
Protein change: p.Asn182Thr; replaces asparagine 182 with threonine.
Molecular consequence: missense variant. On other transcripts: non-coding transcript variant (1).
Genome position (GRCh38, 1-based): chr10:5,960,405, T>G on the plus strand (A>C on the coding strand, the complement: IL15RA is on the minus strand). VCF-style: chr10-5960405-T-G. GRCh37 (hg19) VCF-style: chr10-6002368-T-G.
Other names: c.437A>C, p.Asn146Thr (NM_001243539.2, NM_001351096.1); c.803A>C, p.Asn268Thr (NM_001256765.1); c.620A>C, p.Asn207Thr (NM_001351095.2); c.338A>C, p.Asn113Thr (NM_001351097.2); c.446A>C, p.Asn149Thr (NM_172200.3); short protein forms N113T, N146T, N149T, N182T, N207T, N268T.
Identifiers: ClinVar variation 1232028 (VCV001232028.4), dbSNP rs2228059, ClinGen allele CA5397051.